The following is an entry in ClinVar:

NM_000127.3(EXT1):c.1303_1304dup (p.Lys436fs)

Gene: EXT1 (exostosin glycosyltransferase 1; minus strand). Cytogenetic location: 8q24.11.
Variant type: Duplication.
Coding change: c.1303_1304dup on transcript NM_000127.3 (MANE Select); coding-DNA positions 1303 to 1304, 2 bases duplicated (TT; older notation c.1303_1304dupTT).
Protein change: p.Lys436fs; shifts the reading frame from lysine 436.
Molecular consequence: frameshift variant.
Genome position (GRCh38, 1-based): chr8:117,822,578-117,822,579, AA duplicated on the plus strand (TT on the coding strand, the reverse complement: EXT1 is on the minus strand). VCF-style (leftmost placement, unchanged base first): chr8-117822577-G-GAA. GRCh37 (hg19) VCF-style: chr8-118834816-G-GAA.
Other names: short protein forms K436fs.
Identifiers: ClinVar variation 1329471 (VCV001329471.3), dbSNP rs2129749620, ClinGen allele CA2573052963.
Genomic context (GRCh38, chr8:117,822,577, plus strand): 5'-TAGTACGAACAATCCTCCAGGATGTTTGTTCCATATTAAACTGTTACGTGATATGTGCTT[G>GAA]AATATTCTGTCCTGAATAATCTAGAAAATAAAACATAGCACACAGTGAGGATGAGATCCT-3'

ClinVar aggregate classification (germline): Pathogenic (1 of 4 stars; one submission).

Conditions:
Multiple congenital exostosis (EXT). Also called: Hereditary multiple osteochondromas; Multiple osteochondromas; MULTIPLE CARTILAGINOUS EXOSTOSES; Multiple exostoses; Hereditary multiple exostoses; Hereditary multiple exostosis. Identifiers: Orphanet 321, MedGen C0015306, MONDO:0005508, HP:0002762.

Submission:

Diagnostics Services (NGS), CSIR - Centre For Cellular And Molecular Biology
Classification: Pathogenic for Exostoses, multiple, type 1. Last evaluated: 2021-10-05. Review status: criteria provided, single submitter. Criteria: ACMG Guidelines, 2015. Collection method: clinical testing. Allele origin: unknown. Inheritance: Autosomal dominant inheritance. Affected: yes. Observed: 1 variant allele, 1 heterozygote.
Comment: The c.1303_1304dup variant is not present in publicly available population databases like 1000 Genomes, Exome Variant Server (EVS), Exome Aggregation Consortium (ExAC), Genome Aggregation Database (gnomAD) and dbSNP. The variant is not present in Indian Exome Database and in our in-house exome database. The variant was not earlier reported to ClinVar, Human Genome Mutation Database (HGMD) or OMIM databases in any affected individuals. In-silico pathogenicity prediction programs like MutationTaster2, CADD, Varsome etc. predicted this variant to be likely deleterious.